The following is an entry in ClinVar:

ClinVar aggregate classification (germline): Uncertain significance. Review status: criteria provided, multiple submitters, no conflicts (2 of 4 stars). 3 submissions from 3 submitters: Uncertain significance (3). Last evaluated 2024-07-30.

Conditions:
Arthrogryposis multiplex congenita 1, neurogenic, with myelin defect. Also called: Arthrogryposis multiplex congenita, neurogenic, with myelin defect. Identifiers: MedGen C4479539, MONDO:0060486, OMIM 617468.
Inborn genetic diseases. Identifiers: MedGen C0950123, MeSH D030342.

Allele frequency attached by ClinVar (database versions not stated): gnomAD 0.00005; gnomAD exomes 0.00007; ExAC 0.00014; 1000 Genomes Project 0.00020; 1000 Genomes Project 30x 0.00031.
gnomAD v4.1: 114 of 1,587,400 alleles (0.0072%); highest among the groups gnomAD compares: South Asian, 0.12%; 4 homozygotes.

Submissions (3):

Ambry Genetics
Classification: Uncertain significance for Inborn genetic diseases. Last evaluated: 2024-07-30. Review status: criteria provided, single submitter. Criteria: Ambry Variant Classification Scheme 2023. Collection method: clinical testing. Allele origin: germline.

GeneDx
Classification: Uncertain significance. Last evaluated: 2022-09-28. Review status: criteria provided, single submitter. Criteria: GeneDx Variant Classification Process June 2021. Collection method: clinical testing. Allele origin: germline. Affected: yes.
Comment: Has not been previously published as pathogenic or benign to our knowledge; In silico analysis supports that this missense variant has a deleterious effect on protein structure/function; In silico analysis also suggests this variant may impact gene splicing. In the absence of RNA/functional studies, the actual effect of this sequence change is unknown.

Revvity Omics, Revvity
Classification: Uncertain significance for Arthrogryposis multiplex congenita 1, neurogenic, with myelin defect. Last evaluated: 2021-01-13. Review status: criteria provided, single submitter. Criteria: ACMG Guidelines, 2015. Collection method: clinical testing. Allele origin: germline.

NM_139284.3(LGI4):c.632T>A (p.Leu211Gln)

Gene: LGI4 (leucine rich repeat LGI family member 4; minus strand). Cytogenetic location: 19q13.12.
Variant type: single nucleotide variant.
Coding change: c.632T>A on transcript NM_139284.3 (MANE Select); coding-DNA position 632, T replaced by A.
Protein change: p.Leu211Gln; replaces leucine 211 with glutamine.
Molecular consequence: missense variant.
Genome position (GRCh38, 1-based): chr19:35,127,014, A>T on the plus strand (T>A on the coding strand, the complement: LGI4 is on the minus strand). VCF-style: chr19-35127014-A-T. GRCh37 (hg19) VCF-style: chr19-35617918-A-T.
Other names: c.632T>A (NM_139284.2); short protein forms L211Q.
Identifiers: ClinVar variation 2433428 (VCV002433428.5), dbSNP rs537669079, ClinGen allele CA9373295.
Genomic context (GRCh38, chr19:35,127,014, plus strand): 5'-CCTTGGTAGGAGAAGGGCTCTACGCTCAGTGCCGACTCCCCCACCGTCTGGAACCAGGAC[A>T]GCTCTGTGGGTGGAGAAGAGAGTCAGGCAGGCCCCAGGACCCCCAGGGTCCTCATTGCTG-3'
Protein context (NP_644813.1, residues 201-221): PKTFKCRAIE[Leu211Gln]SWFQTVGESA